The following is an entry in ClinVar:

NM_001363711.2(DUOX2):c.3656G>A (p.Trp1219Ter)

Gene: DUOX2 (dual oxidase 2; minus strand). Cytogenetic location: 15q21.1.
Variant type: single nucleotide variant.
Coding change: c.3656G>A on transcript NM_001363711.2 (MANE Select); coding-DNA position 3656, G replaced by A.
Protein change: p.Trp1219Ter; replaces tryptophan 1219 with a stop codon.
Molecular consequence: nonsense.
Genome position (GRCh38, 1-based): chr15:45,097,651, C>T on the plus strand (G>A on the coding strand, the complement: DUOX2 is on the minus strand). VCF-style: chr15-45097651-C-T. GRCh37 (hg19) VCF-style: chr15-45389849-C-T.
Other names: c.3656G>A, p.Trp1219Ter (NM_014080.5); short protein forms W1219*.
Identifiers: ClinVar variation 421008 (VCV000421008.3), dbSNP rs377189285, ClinGen allele CA16619933.

ClinVar aggregate classification (germline): Likely pathogenic (1 of 4 stars; one submission).

Submission:

GeneDx
Classification: Likely pathogenic. Last evaluated: 2025-12-22. Review status: criteria provided, single submitter. Criteria: GeneDx Variant Classification Process June 2021. Collection method: clinical testing. Allele origin: germline. Affected: yes.
Comment: Nonsense variant predicted to result in protein truncation or nonsense mediated decay in a gene for which loss of function is a known mechanism of disease; Not observed at significant frequency in large population cohorts (gnomAD); Has not been previously published as pathogenic or benign to our knowledge